The following is an entry in ClinVar:

NM_201525.4(ADGRG1):c.532_553del (p.Glu178fs)

Gene: ADGRG1 (adhesion G protein-coupled receptor G1; plus strand). Cytogenetic location: 16q21.
Variant type: Deletion.
Coding change: c.532_553del on transcript NM_201525.4 (MANE Select); coding-DNA positions 532 to 553, 22 bases deleted (GAGCTCAAAAGGGACCTCCAGC).
Protein change: p.Glu178fs; shifts the reading frame from glutamic acid 178.
Molecular consequence: frameshift variant. On other transcripts: intron variant (1).
Genome position (GRCh38, 1-based): chr16:57,653,247-57,653,268, GAGCTCAAAAGGGACCTCCAGC deleted; deleting any 22 consecutive bases within chr16:57,653,245-57,653,268 gives the same sequence; the c. name uses the placement nearest the transcript's 3' end. VCF-style (leftmost placement, unchanged base first): chr16-57653244-TGCGAGCTCAAAAGGGACCTCCA-T. GRCh37 (hg19) VCF-style: chr16-57687156-TGCGAGCTCAAAAGGGACCTCCA-T.
Other names: c.532_553del, p.Glu178fs (NM_001145770.3, NM_001145771.3, NM_001145772.3 and 16 more transcripts); c.547_568del, p.Glu183fs (NM_001145773.3, NM_001370433.1); c.7_28del, p.Glu3fs (NM_001290143.2, NM_001290144.2, NM_001370451.1 and 2 more transcripts); c.376_397del, p.Glu126fs (NM_001370442.1); c.111-739_111-718del (NM_001290142.2); c.532_553delGAGCTCAAAAGGGACCTCCAGC (NM_005682.6); short protein forms E126fs, E3fs, E178fs, E183fs.
Identifiers: ClinVar variation 2962815 (VCV002962815.5), dbSNP rs1178421128, ClinGen allele CA622681707.

ClinVar aggregate classification (germline): Pathogenic/Likely pathogenic. Review status: criteria provided, multiple submitters, no conflicts (2 of 4 stars). 3 submissions from 3 submitters: Pathogenic (1); Likely pathogenic (2). Last evaluated 2025-08-27.

Conditions:
Bilateral frontoparietal polymicrogyria. Also called: CEREBELLAR ATAXIA WITH NEURONAL MIGRATION DEFECT; CORTICAL DYSPLASIA, COMPLEX, WITH OTHER BRAIN MALFORMATIONS 14A (BILATERAL FRONTOPARIETAL). Identifiers: Orphanet 101070, MedGen C1847352, MONDO:0011738, OMIM 606854.

Submissions (3):

Variantyx, Inc.
Classification: Likely pathogenic for Bilateral frontoparietal polymicrogyria. Last evaluated: 2025-08-27. Review status: criteria provided, single submitter. Criteria: Variantyx Assertion Criteria 2022. Collection method: clinical testing. Allele origin: germline. Inheritance: Autosomal recessive inheritance. Affected: yes.
Comment: This is a frameshift variant in the ADGRG1 gene (OMIM: 604110). Pathogenic variants in this gene have been associated with autosomal recessive complex cortical dysplasia with other brain malformations 14A (bilateral frontoparietal). This variant introduces a premature termination codon in exon 4 out of 14 and is expected to result in loss of function, which is a known disease mechanism for ADGRG1 in this disorder (PMID: 15044805, 20929962) (PVS1). This variant has a 0.0022% maximum allele frequency in non-founder control populations (PM2). Based on the current evidence, this variant is classified as likely pathogenic for autosomal recessive complex cortical dysplasia with other brain malformations 14A (bilateral frontoparietal).

Natera, Inc.
Classification: Likely pathogenic for Bilateral frontoparietal polymicrogyria. Last evaluated: 2025-05-12. Review status: criteria provided, single submitter. Criteria: Natera Variant Classification Schema (03/2026). Collection method: clinical testing. Allele origin: germline.
Comment: The c.532_553delGAGCTCAAAAGGGACCTCCAGC variant in ADGRG1 is a frameshift variant predicted to shift the reading frame beginning at codon 178 and leads to a stop codon 6 codons downstream. This variant is expected to result in nonsense mediated decay, truncation, or a dysfunctional protein product. This variant is rare in the general population with a frequency below the threshold expected for the associated phenotype(s). Given the available evidence, this variant is classified as Likely Pathogenic.

Labcorp Genetics (formerly Invitae), Labcorp
Classification: Pathogenic. Last evaluated: 2023-04-13. Review status: criteria provided, single submitter. Criteria: Invitae Variant Classification Sherloc (09022015). Collection method: clinical testing. Allele origin: germline.
Comment: This variant has not been reported in the literature in individuals affected with ADGRG1-related conditions. For these reasons, this variant has been classified as Pathogenic. This variant is present in population databases (no rsID available, gnomAD 0.003%). This sequence change creates a premature translational stop signal (p.Glu178Cysfs*6) in the ADGRG1 gene. It is expected to result in an absent or disrupted protein product. Loss-of-function variants in ADGRG1 are known to be pathogenic (PMID: 15044805, 20929962).

Literature cited by the submitters: PubMed 15044805 (cited by Variantyx, Inc. and Labcorp Genetics (formerly Invitae), Labcorp); PubMed 20929962 (cited by Variantyx, Inc. and Labcorp Genetics (formerly Invitae), Labcorp).